The following is an entry in ClinVar:

NM_000393.5(COL5A2):c.1190C>T (p.Pro397Leu)

Gene: COL5A2 (collagen type V alpha 2 chain; minus strand). Cytogenetic location: 2q32.2.
Variant type: single nucleotide variant.
Coding change: c.1190C>T on transcript NM_000393.5 (MANE Select); coding-DNA position 1190, C replaced by T.
Protein change: p.Pro397Leu; replaces proline 397 with leucine.
Molecular consequence: missense variant.
Genome position (GRCh38, 1-based): chr2:189,068,853, G>A on the plus strand (C>T on the coding strand, the complement: COL5A2 is on the minus strand). VCF-style: chr2-189068853-G-A. GRCh37 (hg19) VCF-style: chr2-189933579-G-A.
Other names: short protein forms P397L.
Identifiers: ClinVar variation 1397562 (VCV001397562.7), dbSNP rs1189039397, ClinGen allele CA349853764.

ClinVar aggregate classification (germline): Conflicting classifications of pathogenicity. Review status: criteria provided, conflicting classifications (1 of 4 stars). 2 submissions from 2 submitters: Uncertain significance (1); Likely benign (1). Last evaluated 2025-09-04.

Conditions:
Ehlers-Danlos syndrome, classic type, 1 (EDSCL1). Also called: EHLERS-DANLOS SYNDROME, GRAVIS TYPE; EHLERS-DANLOS SYNDROME, SEVERE CLASSIC TYPE; Ehlers-Danlos syndrome, type 1; Ehlers-Danlos Syndrome, Classic Type, COL5A1-Related; EDS I. Identifiers: MedGen C0268335, MONDO:0019567, OMIM 130000.

Allele frequency attached by ClinVar (database versions not stated): gnomAD exomes below 0.00001.
gnomAD v4.1: 19 of 1,613,292 alleles (0.0012%); highest among the groups gnomAD compares: Non-Finnish European, 0.0016%; no homozygotes.

Submissions (2):

Labcorp Genetics (formerly Invitae), Labcorp
Classification: Likely benign for Ehlers-Danlos syndrome, classic type, 1. Last evaluated: 2025-09-04. Review status: criteria provided, single submitter. Criteria: Invitae Variant Classification Sherloc (09022015). Collection method: clinical testing. Allele origin: germline.

Women's Health and Genetics/Laboratory Corporation of America, LabCorp
Classification: Uncertain significance. Last evaluated: 2025-07-29. Review status: criteria provided, single submitter. Criteria: LabCorp Variant Classification Summary - May 2015. Collection method: clinical testing. Allele origin: germline.
Comment: Variant summary: COL5A2 c.1190C>T (p.Pro397Leu) results in a non-conservative amino acid change in the encoded protein sequence. Algorithms developed to predict the effect of missense changes on protein structure and function all suggest that this variant is likely to be disruptive. The variant allele was found at a frequency of 4e-06 in 248758 control chromosomes. The available data on variant occurrences in the general population are insufficient to allow any conclusion about variant significance. To our knowledge, no occurrence of c.1190C>T in individuals affected with Ehlers-Danlos syndrome, classic type, 2 and no experimental evidence demonstrating its impact on protein function have been reported. ClinVar contains an entry for this variant (Variation ID: 1397562). Based on the evidence outlined above, the variant was classified as uncertain significance.